The following is an entry in ClinVar:

ClinVar aggregate classification (germline): Pathogenic (1 of 4 stars; one submission).

Conditions:
Epilepsy, idiopathic generalized, susceptibility to, 13. Also called: EPILEPSY, JUVENILE MYOCLONIC, SUSCEPTIBILITY TO, 5. Identifiers: Orphanet 307, Orphanet 64280, MedGen C4013473, MONDO:0012627, OMIM 611136.
Epilepsy, childhood absence 4 (ECA4). Also called: EPILEPSY, CHILDHOOD ABSENCE, SUSCEPTIBILITY TO, 4. Identifiers: Orphanet 307, MedGen C1970160.
Idiopathic generalized epilepsy. Also called: Generalised epilepsy; EIG. Identifiers: MedGen C0270850, MONDO:0005579, OMIM 600669.

Submission:

Labcorp Genetics (formerly Invitae), Labcorp
Classification: Pathogenic for Epilepsy, childhood absence 4; Epilepsy, idiopathic generalized, susceptibility to, 13; Idiopathic generalized epilepsy. Last evaluated: 2022-08-26. Review status: criteria provided, single submitter. Criteria: Invitae Variant Classification Sherloc (09022015). Collection method: clinical testing. Allele origin: germline.
Comment: For these reasons, this variant has been classified as Pathogenic. This variant disrupts a region of the GABRA1 protein in which other variant(s) (p.Asn414Ser) have been determined to be pathogenic (Invitae). This suggests that this is a clinically significant region of the protein, and that variants that disrupt it are likely to be disease-causing. This variant has not been reported in the literature in individuals affected with GABRA1-related conditions. This variant is not present in population databases (gnomAD no frequency). This sequence change creates a premature translational stop signal (p.Val357Glyfs*5) in the GABRA1 gene. While this is not anticipated to result in nonsense mediated decay, it is expected to disrupt the last 100 amino acid(s) of the GABRA1 protein.

NM_001127644.2(GABRA1):c.1070_1074del (p.Val357fs)

Gene: GABRA1 (gamma-aminobutyric acid type A receptor subunit alpha1; plus strand). Cytogenetic location: 5q34.
Variant type: Deletion.
Coding change: c.1070_1074del on transcript NM_001127644.2 (MANE Select); coding-DNA positions 1070 to 1074, 5 bases deleted (TAAAG; older notation c.1070_1074delTAAAG).
Protein change: p.Val357fs; shifts the reading frame from valine 357.
Molecular consequence: frameshift variant.
Genome position (GRCh38, 1-based): chr5:161,897,121-161,897,125, TAAAG deleted; deleting any 5 consecutive bases within chr5:161,897,117-161,897,125 gives the same sequence; the c. name uses the placement nearest the transcript's 3' end. VCF-style (leftmost placement, unchanged base first): chr5-161897116-GAAAGT-G. GRCh37 (hg19) VCF-style: chr5-161324122-GAAAGT-G.
Other names: c.1070_1074del, p.Val357fs (NM_000806.5, NM_001127643.2, NM_001127645.2 and 1 more transcripts); short protein forms V357fs.
Identifiers: ClinVar variation 2027203 (VCV002027203.4), dbSNP rs2532295501, ClinGen allele CA2580074001.